The following is an entry in ClinVar:

NM_052844.4(DYNC2I2):c.334C>A (p.Leu112Ile)

Gene: DYNC2I2 (dynein 2 intermediate chain 2; minus strand). Cytogenetic location: 9q34.11.
Variant type: single nucleotide variant.
Coding change: c.334C>A on transcript NM_052844.4 (MANE Select); coding-DNA position 334, C replaced by A.
Protein change: p.Leu112Ile; replaces leucine 112 with isoleucine.
Molecular consequence: missense variant.
Genome position (GRCh38, 1-based): chr9:128,640,792, G>T on the plus strand (C>A on the coding strand, the complement: DYNC2I2 is on the minus strand). VCF-style: chr9-128640792-G-T. GRCh37 (hg19) VCF-style: chr9-131403071-G-T.
Other names: short protein forms L112I.
Identifiers: ClinVar variation 2045654 (VCV002045654.4), dbSNP rs747943057, ClinGen allele CA5266654.

ClinVar aggregate classification (germline): Uncertain significance (1 of 4 stars; one submission).

Conditions:
Short-rib thoracic dysplasia 11 with or without polydactyly (SRTD11). Also called: SHORT-RIB THORACIC DYSPLASIA 11 WITHOUT POLYDACTYLY. Identifiers: Orphanet 474, Orphanet 93271, MedGen C3810200, MONDO:0014287, OMIM 615633.

Allele frequency attached by ClinVar (database versions not stated): gnomAD exomes below 0.00001; ExAC 0.00001; gnomAD 0.00001; TOPMed 0.00001.
gnomAD v4.1: 7 of 1,614,096 alleles (0.00043%); highest among the groups gnomAD compares: Non-Finnish European, 0.00059%; no homozygotes.

Submission:

Labcorp Genetics (formerly Invitae), Labcorp
Classification: Uncertain significance for Short-rib thoracic dysplasia 11 with or without polydactyly. Last evaluated: 2022-10-25. Review status: criteria provided, single submitter. Criteria: Invitae Variant Classification Sherloc (09022015). Collection method: clinical testing. Allele origin: germline.
Comment: This sequence change replaces leucine, which is neutral and non-polar, with isoleucine, which is neutral and non-polar, at codon 112 of the WDR34 protein (p.Leu112Ile). This variant is present in population databases (rs747943057, gnomAD 0.0009%). This variant has not been reported in the literature in individuals affected with WDR34-related conditions. Algorithms developed to predict the effect of missense changes on protein structure and function are either unavailable or do not agree on the potential impact of this missense change (SIFT: "Deleterious"; PolyPhen-2: "Benign"; Align-GVGD: "Class C0"). In summary, the available evidence is currently insufficient to determine the role of this variant in disease. Therefore, it has been classified as a Variant of Uncertain Significance.